The following is an entry in ClinVar:

NM_001376.5(DYNC1H1):c.6871G>A (p.Val2291Met)

Gene: DYNC1H1 (dynein cytoplasmic 1 heavy chain 1; plus strand). Cytogenetic location: 14q32.31.
Variant type: single nucleotide variant.
Coding change: c.6871G>A on transcript NM_001376.5 (MANE Select); coding-DNA position 6871, G replaced by A.
Protein change: p.Val2291Met; replaces valine 2291 with methionine.
Molecular consequence: missense variant.
Genome position (GRCh38, 1-based): chr14:102,012,327, G>A. VCF-style: chr14-102012327-G-A. GRCh37 (hg19) VCF-style: chr14-102478664-G-A.
Other names: short protein forms V2291M.
Identifiers: ClinVar variation 2430643 (VCV002430643.31), dbSNP rs779194599, ClinGen allele CA7352700.

ClinVar aggregate classification (germline): Conflicting classifications of pathogenicity. Review status: criteria provided, conflicting classifications (1 of 4 stars). 4 submissions from 4 submitters: Uncertain significance (2); Likely benign (2). Last evaluated 2026-05-20.

Conditions:
Inborn genetic diseases. Identifiers: MedGen C0950123, MeSH D030342.
Charcot-Marie-Tooth disease axonal type 2O. Also called: CHARCOT-MARIE-TOOTH NEUROPATHY, AXONAL, TYPE 2O; CHARCOT-MARIE-TOOTH DISEASE, AXONAL, AUTOSOMAL DOMINANT, TYPE 2O; Charcot-Marie-Tooth Neuropathy Type 2O; Charcot-Marie-Tooth disease, axonal, type 20. Identifiers: Orphanet 284232, MedGen C3280220, MONDO:0013644, OMIM 614228.

Allele frequency attached by ClinVar (database versions not stated): gnomAD exomes below 0.00001; ExAC 0.00001.
gnomAD v4.1: 1 of 1,614,224 alleles (0.000062%); highest among the groups gnomAD compares: Admixed American, 0.0017%; no homozygotes.

Submissions (4):

Ambry Genetics
Classification: Uncertain significance for Inborn genetic diseases. Last evaluated: 2026-05-20. Review status: criteria provided, single submitter. Criteria: Ambry Variant Classification Scheme 2023. Collection method: clinical testing. Allele origin: germline.
Comment: The c.6871G>A (p.V2291M) alteration is located in exon 34 (coding exon 34) of the DYNC1H1 gene. This alteration results from a G to A substitution at nucleotide position 6871, causing the valine (V) at amino acid position 2291 to be replaced by a methionine (M). Based on data from gnomAD, the A allele has an overall frequency of <0.001% (1/251474) total alleles studied. The highest observed frequency was 0.003% (1/34592) of Latino alleles. This amino acid position is highly conserved in available vertebrate species. This missense alteration is located in a region that has a low rate of benign missense variation (Lek, 2016; Firth, 2009). This alteration is predicted to be tolerated by in silico analysis. Based on insufficient or conflicting evidence, the clinical significance of this alteration remains unclear.

CeGaT Center for Human Genetics Tuebingen
Classification: Likely benign. Last evaluated: 2023-06-01. Review status: criteria provided, single submitter. Criteria: CeGaT Center For Human Genetics Tuebingen Variant Classification Criteria Version 2. Collection method: clinical testing. Allele origin: germline. Affected: yes. Observed: 1 variant allele.
Comment: DYNC1H1: PP2, BP5, BS2

Labcorp Genetics (formerly Invitae), Labcorp
Classification: Likely benign for Charcot-Marie-Tooth disease axonal type 2O. Last evaluated: 2023-05-22. Review status: criteria provided, single submitter. Criteria: Invitae Variant Classification Sherloc (09022015). Collection method: clinical testing. Allele origin: germline.

GeneDx
Classification: Uncertain significance. Last evaluated: 2023-02-10. Review status: criteria provided, single submitter. Criteria: GeneDx Variant Classification Process June 2021. Collection method: clinical testing. Allele origin: germline. Affected: yes.
Comment: Has not been previously published as pathogenic or benign to our knowledge; In silico analysis supports that this missense variant has a deleterious effect on protein structure/function; This variant is associated with the following publications: (PMID: 26100331, 25609763, 25512093)